The following is an entry in ClinVar:

Conditions:
Long QT syndrome 5 (LQT5). Identifiers: Orphanet 101016, Orphanet 768, MedGen C1867904, MONDO:0013372, OMIM 613695.

Submission:

Roden Lab, Vanderbilt University Medical Center
No classification provided (evidence only). Condition: Long QT syndrome 5. Review status: no classification provided. Collection method: in vitro. Allele origin: not applicable. Functional consequence: Effect on ion channel function.
ClinVar note: "not provided" was previously submitted as the classification for the variant. However, the classification appeared to be based only on an observation of functional data so it was converted to no classification on 2025-07-30.

NM_000219.6(KCNE1):c.359C>A (p.Thr120Lys)

Gene: KCNE1 (potassium voltage-gated channel subfamily E regulatory subunit 1; minus strand). Cytogenetic location: 21q22.12.
Variant type: single nucleotide variant.
Coding change: c.359C>A on transcript NM_000219.6 (MANE Select); coding-DNA position 359, C replaced by A.
Protein change: p.Thr120Lys; replaces threonine 120 with lysine.
Molecular consequence: missense variant.
Genome position (GRCh38, 1-based): chr21:34,449,276, G>T on the plus strand (C>A on the coding strand, the complement: KCNE1 is on the minus strand). VCF-style: chr21-34449276-G-T. GRCh37 (hg19) VCF-style: chr21-35821574-G-T.
Other names: c.359C>A, p.Thr120Lys (NM_001127668.4, NM_001127669.4, NM_001127670.4 and 4 more transcripts); short protein forms T120K.
Identifiers: ClinVar variation 3373807 (VCV003373807.2).